The following is an entry in ClinVar:

NM_024577.4(SH3TC2):c.1299G>A (p.Ser433=)

Gene: SH3TC2 (SH3 domain and tetratricopeptide repeats 2; minus strand). Cytogenetic location: 5q32.
Variant type: single nucleotide variant.
Coding change: c.1299G>A on transcript NM_024577.4 (MANE Select); coding-DNA position 1299, G replaced by A.
Protein change: p.Ser433=; no amino-acid change (serine 433 retained).
Molecular consequence: synonymous variant.
Genome position (GRCh38, 1-based): chr5:149,028,433, C>T on the plus strand (G>A on the coding strand, the complement: SH3TC2 is on the minus strand). VCF-style: chr5-149028433-C-T. GRCh37 (hg19) VCF-style: chr5-148407996-C-T.
Other names: p.Ser433=.
Identifiers: ClinVar variation 392398 (VCV000392398.20), dbSNP rs140904010, ClinGen allele CA3499206.
Genomic context (GRCh38, chr5:149,028,433, plus strand): 5'-GAGCAGTTCCGGGTCATCAAGGTCATCAGGCTCCGGCAGGCGATAGCTGTCTGAGGTGGC[C>T]GAGAGGAGCTCCTCCTCCAGGCTGGAGTCCTCAGAGCTGCTGGACTGTCTGGACCCCACG-3'
Protein context (NP_078853.2, residues 423-443): EDSSLEEELL[Ser433=]ATSDSYRLPE

ClinVar aggregate classification (germline): Benign/Likely benign. Review status: criteria provided, multiple submitters, no conflicts (2 of 4 stars). 8 submissions from 8 submitters: Benign (2); Likely benign (5). 1 of the submissions does not count toward it. Last evaluated 2026-01-25.

Conditions:
Inborn genetic diseases. Identifiers: MedGen C0950123, MeSH D030342.
Charcot-Marie-Tooth disease type 4. Also called: Charcot-Marie-Tooth disease, type IV; Charcot-Marie-Tooth, Type 4. Identifiers: Orphanet 64749, MedGen C4082197, MONDO:0018995.
SH3TC2-related disorder. Also called: SH3TC2-related disorders; SH3TC2-related condition. Identifiers: MedGen CN239303.
Charcot-Marie-Tooth disease. Also called: Charcot-Marie-Tooth Neuropathy; Charcot-Marie-Tooth Hereditary Neuropathy. Identifiers: Orphanet 166, MedGen C0007959, MONDO:0015626.

Allele frequency attached by ClinVar (database versions not stated): ESP Exome Variant Server 0.00085; TOPMed 0.00107; gnomAD 0.00108; 1000 Genomes Project 30x 0.00156; 1000 Genomes Project 0.00160.
gnomAD v4.1: 359 of 1,613,356 alleles (0.022%); highest among the groups gnomAD compares: African/African-American, 0.4%; no homozygotes.

Submissions (8):

Labcorp Genetics (formerly Invitae), Labcorp
Classification: Benign for Charcot-Marie-Tooth disease type 4. Last evaluated: 2026-01-25. Review status: criteria provided, single submitter. Criteria: Invitae Variant Classification Sherloc (09022015). Collection method: clinical testing. Allele origin: germline.

Mayo Clinic Laboratories, Mayo Clinic
Classification: Likely benign. Last evaluated: 2025-04-22. Review status: criteria provided, single submitter. Criteria: ACMG Guidelines, 2015. Collection method: clinical testing. Allele origin: germline. Observed: 1 variant allele.
Comment: BS1, BP4, BP7

Blueprint Genetics
Classification: Likely benign. Last evaluated: 2024-08-12. Review status: criteria provided, single submitter. Criteria: ACMG Guidelines, 2015. Collection method: clinical testing. Allele origin: germline.

Ambry Genetics
Classification: Likely benign for Inborn genetic diseases. Last evaluated: 2019-07-11. Review status: criteria provided, single submitter. Criteria: Ambry Variant Classification Scheme 2023. Collection method: clinical testing. Allele origin: germline.

Athena Diagnostics
Classification: Benign. Last evaluated: 2017-11-15. Review status: criteria provided, single submitter. Criteria: Athena Diagnostics Criteria. Collection method: clinical testing. Allele origin: germline.

GeneDx
Classification: Likely benign. Last evaluated: 2017-01-03. Review status: criteria provided, single submitter. Criteria: GeneDx Variant Classification (06012015). Collection method: clinical testing. Allele origin: germline. Affected: yes.
Comment: This variant is considered likely benign or benign based on one or more of the following criteria: it is a conservative change, it occurs at a poorly conserved position in the protein, it is predicted to be benign by multiple in silico algorithms, and/or has population frequency not consistent with disease.

Molecular Genetics Laboratory, London Health Sciences Centre
Classification: Likely benign for Charcot-Marie-Tooth disease. Review status: criteria provided, single submitter. Criteria: ACMG Guidelines, 2015. Collection method: clinical testing. Allele origin: germline. Affected: yes.

PreventionGenetics, part of Exact Sciences
Classification: Likely benign for SH3TC2-related condition. Last evaluated: 2020-07-09. Review status: no assertion criteria provided. Collection method: clinical testing. Allele origin: germline. Not counted in ClinVar's aggregate classification.
Comment: This variant is classified as likely benign based on ACMG/AMP sequence variant interpretation guidelines (Richards et al. 2015 PMID: 25741868, with internal and published modifications).